The following is an entry in ClinVar:

NM_001605.3(AARS1):c.739C>A (p.Leu247Met)

Gene: AARS1 (alanyl-tRNA synthetase 1; minus strand). Cytogenetic location: 16q22.1.
Variant type: single nucleotide variant.
Coding change: c.739C>A on transcript NM_001605.3 (MANE Select); coding-DNA position 739, C replaced by A.
Protein change: p.Leu247Met; replaces leucine 247 with methionine.
Molecular consequence: missense variant.
Genome position (GRCh38, 1-based): chr16:70,270,273, G>T on the plus strand (C>A on the coding strand, the complement: AARS1 is on the minus strand). VCF-style: chr16-70270273-G-T. GRCh37 (hg19) VCF-style: chr16-70304176-G-T.
Other names: short protein forms L247M.
Identifiers: ClinVar variation 643971 (VCV000643971.9), dbSNP rs557956516, ClinGen allele CA8141057.

ClinVar aggregate classification (germline): Uncertain significance (1 of 4 stars; one submission).

Conditions:
Charcot-Marie-Tooth disease type 2. Also called: Charcot-Marie-Tooth type 2. Identifiers: Orphanet 64746, MedGen C0270914, MONDO:0018993.

Allele frequency attached by ClinVar (database versions not stated): ExAC 0.00001; 1000 Genomes Project 0.00020; gnomAD exomes below 0.00001; gnomAD 0.00001; 1000 Genomes Project 30x 0.00016.
gnomAD v4.1: 10 of 1,614,178 alleles (0.00062%); highest among the groups gnomAD compares: South Asian, 0.0099%; no homozygotes.

Submission:

Labcorp Genetics (formerly Invitae), Labcorp
Classification: Uncertain significance for Charcot-Marie-Tooth disease type 2. Last evaluated: 2025-03-16. Review status: criteria provided, single submitter. Criteria: Invitae Variant Classification Sherloc (09022015). Collection method: clinical testing. Allele origin: germline.
Comment: This sequence change replaces leucine, which is neutral and non-polar, with methionine, which is neutral and non-polar, at codon 247 of the AARS protein (p.Leu247Met). This variant is present in population databases (rs557956516, gnomAD 0.003%). This variant has not been reported in the literature in individuals affected with AARS-related conditions. ClinVar contains an entry for this variant (Variation ID: 643971). Invitae Evidence Modeling of protein sequence and biophysical properties (such as structural, functional, and spatial information, amino acid conservation, physicochemical variation, residue mobility, and thermodynamic stability) indicates that this missense variant is not expected to disrupt AARS protein function with a negative predictive value of 95%. In summary, the available evidence is currently insufficient to determine the role of this variant in disease. Therefore, it has been classified as a Variant of Uncertain Significance.